The following is an entry in ClinVar:

ClinVar aggregate classification (germline): Conflicting classifications of pathogenicity. Review status: criteria provided, conflicting classifications (1 of 4 stars). 6 submissions from 6 submitters: Uncertain significance (5); Benign (1). Last evaluated 2025-07-15.

Conditions:
Isolated focal cortical dysplasia type II (FCORD2). Also called: CORTICAL DYSPLASIA OF TAYLOR; Focal cortical dysplasia type II. Identifiers: Orphanet 268994, MedGen C1846385, MONDO:0011818, OMIM 607341, HP:0032051.
Lymphangiomyomatosis (LAM). Also called: Lymphangioleiomyomatosis, somatic; Lymphangioleiomyomatosis. Identifiers: Orphanet 538, MedGen C0751674, MONDO:0011705, OMIM 606690.
Tuberous sclerosis 2 (TSC2). Identifiers: Orphanet 805, MedGen C1860707, MONDO:0013199, OMIM 613254.
Hereditary cancer-predisposing syndrome. Also called: Neoplastic Syndromes, Hereditary; Tumor predisposition; Hereditary Cancer Syndrome; Hereditary neoplastic syndrome. Identifiers: Orphanet 140162, MedGen C0027672, MeSH D009386, MONDO:0015356.
Tuberous sclerosis syndrome (TSC). Also called: Tuberous Sclerosis Complex; Tuberous sclerosis. Identifiers: Orphanet 805, MedGen C0041341, MONDO:0001734.

Allele frequency attached by ClinVar (database versions not stated): gnomAD 0.00001; TOPMed 0.00001; ESP Exome Variant Server 0.00008.
gnomAD v4.1: 1 of 1,613,022 alleles (0.000062%); highest among the groups gnomAD compares: African/African-American, 0.0013%; no homozygotes.

Submissions (6):

Labcorp Genetics (formerly Invitae), Labcorp
Classification: Benign for Tuberous sclerosis 2. Last evaluated: 2025-07-15. Review status: criteria provided, single submitter. Criteria: Invitae Variant Classification Sherloc (09022015). Collection method: clinical testing. Allele origin: germline.

Ambry Genetics
Classification: Uncertain significance for Hereditary cancer-predisposing syndrome. Last evaluated: 2025-02-17. Review status: criteria provided, single submitter. Criteria: Ambry Variant Classification Scheme 2023. Collection method: clinical testing. Allele origin: germline.
Comment: The p.N959K variant (also known as c.2877C>G), located in coding exon 25 of the TSC2 gene, results from a C to G substitution at nucleotide position 2877. The asparagine at codon 959 is replaced by lysine, an amino acid with similar properties. This amino acid position is not well conserved in available vertebrate species. In addition, the in silico prediction for this alteration is inconclusive. Since supporting evidence is limited at this time, the clinical significance of this alteration remains unclear.

Fulgent Genetics
Classification: Uncertain significance for Lymphangiomyomatosis; Isolated focal cortical dysplasia type II; Tuberous sclerosis 2. Last evaluated: 2024-04-26. Review status: criteria provided, single submitter. Criteria: ACMG Guidelines, 2015. Collection method: clinical testing. Allele origin: germline.

Baylor Genetics
Classification: Uncertain significance for Isolated focal cortical dysplasia type II. Last evaluated: 2024-02-08. Review status: criteria provided, single submitter. Criteria: ACMG Guidelines, 2015. Collection method: clinical testing. Allele origin: unknown.

All of Us Research Program, National Institutes of Health
Classification: Uncertain significance for Tuberous sclerosis syndrome. Last evaluated: 2023-05-30. Review status: criteria provided, single submitter. Criteria: ACMG Guidelines, 2015. Collection method: clinical testing. Allele origin: germline. Inheritance: Autosomal dominant inheritance. Observed: 1 variant allele, 1 heterozygote.
Comment: This missense variant replaces asparagine with lysine at codon 959 of the TSC2 protein. Computational prediction suggests that this variant may not impact protein structure and function (internally defined REVEL score threshold <= 0.5, PMID: 27666373). To our knowledge, functional studies have not been reported for this variant. This variant has not been reported in individuals affected with TSC2-related disorders in the literature. This variant has been identified in 1/31396 chromosomes in the general population by the Genome Aggregation Database (gnomAD). The available evidence is insufficient to determine the role of this variant in disease conclusively. Therefore, this variant is classified as a Variant of Uncertain Significance.

This study involves interpretation of variants in research participants for the purpose of population health screening. Participant phenotype was not available at the time of variant classification. Additional details can be found in publication PMID: 35346344, PMCID: PMC8962531

Genome-Nilou Lab
Classification: Uncertain significance for Tuberous sclerosis 2. Last evaluated: 2021-11-07. Review status: criteria provided, single submitter. Criteria: ACMG Guidelines, 2015. Collection method: clinical testing. Allele origin: germline. Affected: no.

NM_000548.5(TSC2):c.2877C>G (p.Asn959Lys)

Gene: TSC2 (TSC complex subunit 2; plus strand). Cytogenetic location: 16p13.3.
Variant type: single nucleotide variant.
Coding change: c.2877C>G on transcript NM_000548.5 (MANE Select); coding-DNA position 2877, C replaced by G.
Protein change: p.Asn959Lys; replaces asparagine 959 with lysine.
Molecular consequence: missense variant. On other transcripts: intron variant (9).
Genome position (GRCh38, 1-based): chr16:2,077,637, C>G. VCF-style: chr16-2077637-C-G. GRCh37 (hg19) VCF-style: chr16-2127638-C-G.
Other names: c.2877C>G, p.Asn959Lys (NM_001114382.3); c.2837+1052C>G (NM_021055.3, NM_001370405.1, NM_001363528.2 and 2 more transcripts); c.2726+1052C>G (NM_001318827.2); c.2237+1052C>G (NM_001318831.2); c.2690+1052C>G (NM_001318829.2); c.2870+1052C>G (NM_001318832.2); short protein forms N959K.
Identifiers: ClinVar variation 566565 (VCV000566565.20), dbSNP rs147523833, ClinGen allele CA276743943.